The following is an entry in ClinVar:

NM_020117.11(LARS1):c.2578G>A (p.Ala860Thr)

Gene: LARS1 (leucyl-tRNA synthetase 1; minus strand). Cytogenetic location: 5q32.
Variant type: single nucleotide variant.
Coding change: c.2578G>A on transcript NM_020117.11 (MANE Select); coding-DNA position 2578, G replaced by A.
Protein change: p.Ala860Thr; replaces alanine 860 with threonine.
Molecular consequence: missense variant.
Genome position (GRCh38, 1-based): chr5:146,130,068, C>T on the plus strand (G>A on the coding strand, the complement: LARS1 is on the minus strand). VCF-style: chr5-146130068-C-T. GRCh37 (hg19) VCF-style: chr5-145509631-C-T.
Other names: p.A860T:GCT>ACT; c.2440G>A, p.Ala814Thr (NM_001317964.2); c.2416G>A, p.Ala806Thr (NM_001317965.2); c.2497G>A, p.Ala833Thr (NM_016460.4); short protein forms A860T, A814T, A833T, A806T.
Identifiers: ClinVar variation 138091 (VCV000138091.52), dbSNP rs112912805, ClinGen allele CA291891.

ClinVar aggregate classification (germline): Benign/Likely benign. Review status: criteria provided, multiple submitters, no conflicts (2 of 4 stars). 4 submissions from 4 submitters: Benign (2); Likely benign (2). Last evaluated 2026-07-01.

Allele frequency attached by ClinVar (database versions not stated): TOPMed 0.00283; 1000 Genomes Project 0.00359; 1000 Genomes Project 30x 0.00375; gnomAD 0.00377 and 0.00384; ESP Exome Variant Server 0.00431; gnomAD exomes 0.00453; ExAC 0.00460.
gnomAD v4.1: 8,086 of 1,613,922 alleles (0.5%); highest among the groups gnomAD compares: South Asian, 0.62%; 46 homozygotes.

Submissions (4):

CeGaT Center for Human Genetics Tuebingen
Classification: Likely benign. Last evaluated: 2026-07-01. Review status: criteria provided, single submitter. Criteria: CeGaT Center For Human Genetics Tuebingen Variant Classification Criteria Version 2. Collection method: clinical testing. Allele origin: germline. Affected: yes. Observed: 5 variant alleles.
Comment: LARS1: BS2

Labcorp Genetics (formerly Invitae), Labcorp
Classification: Benign. Last evaluated: 2026-01-29. Review status: criteria provided, single submitter. Criteria: Invitae Variant Classification Sherloc (09022015). Collection method: clinical testing. Allele origin: germline.

GeneDx
Classification: Benign. Last evaluated: 2013-11-02. Review status: criteria provided, single submitter. Criteria: GeneDx Variant Classification (06012015). Collection method: clinical testing. Allele origin: germline. Affected: yes.
Comment: This variant is considered likely benign or benign based on one or more of the following criteria: it is a conservative change, it occurs at a poorly conserved position in the protein, it is predicted to be benign by multiple in silico algorithms, and/or has population frequency not consistent with disease.

Breakthrough Genomics
Classification: Likely benign. Review status: criteria provided, single submitter. Criteria: ACMG Guidelines, 2015. Collection method: not provided. Allele origin: germline. Inheritance: Autosomal recessive inheritance. Affected: yes.